The following is an entry in ClinVar:

NM_001164665.2(KIAA1549):c.1807T>G (p.Phe603Val)

Gene: KIAA1549 (KIAA1549; minus strand). Cytogenetic location: 7q34.
Variant type: single nucleotide variant.
Coding change: c.1807T>G on transcript NM_001164665.2 (MANE Select); coding-DNA position 1807, T replaced by G.
Protein change: p.Phe603Val; replaces phenylalanine 603 with valine.
Molecular consequence: missense variant.
Genome position (GRCh38, 1-based): chr7:138,917,819, A>C on the plus strand (T>G on the coding strand, the complement: KIAA1549 is on the minus strand). VCF-style: chr7-138917819-A-C. GRCh37 (hg19) VCF-style: chr7-138602565-A-C.
Other names: c.1807T>G, p.Phe603Val (NM_020910.3); c.1807T>G (NM_001164665.1); short protein forms F603V.
Identifiers: ClinVar variation 1363302 (VCV001363302.9), dbSNP rs1239710738, ClinGen allele CA369396889.
Genomic context (GRCh38, chr7:138,917,819, plus strand): 5'-CAAAATCCAAAGCACCTCTGGGTTTATGCTCAGAAAAACTGGAACGTTCTTGGTCAGAGA[A>C]AAGTGAAGACTCCACTGAAGGAACCAGACTATAAGGCGTAAAAACACTCGGGTCTCTGAC-3'
Protein context (NP_001158137.1, residues 593-613): SLVPSVESSL[Phe603Val]SDQERSSFSE

ClinVar aggregate classification (germline): Uncertain significance. Review status: criteria provided, multiple submitters, no conflicts (2 of 4 stars). 2 submissions from 2 submitters: Uncertain significance (2). Last evaluated 2022-10-05.

Conditions:
Inborn genetic diseases. Identifiers: MedGen C0950123, MeSH D030342.

Allele frequency attached by ClinVar (database versions not stated): gnomAD exomes below 0.00001; TOPMed 0.00001.
gnomAD v4.1: 12 of 1,596,612 alleles (0.00075%); highest among the groups gnomAD compares: African/African-American, 0.0013%; no homozygotes.

Submissions (2):

Ambry Genetics
Classification: Uncertain significance for Inborn genetic diseases. Last evaluated: 2022-10-05. Review status: criteria provided, single submitter. Criteria: Ambry Variant Classification Scheme 2023. Collection method: clinical testing. Allele origin: germline.

Labcorp Genetics (formerly Invitae), Labcorp
Classification: Uncertain significance. Last evaluated: 2022-10-05. Review status: criteria provided, single submitter. Criteria: Invitae Variant Classification Sherloc (09022015). Collection method: clinical testing. Allele origin: germline.
Comment: Algorithms developed to predict the effect of missense changes on protein structure and function (SIFT, PolyPhen-2, Align-GVGD) all suggest that this variant is likely to be tolerated. In summary, the available evidence is currently insufficient to determine the role of this variant in disease. Therefore, it has been classified as a Variant of Uncertain Significance. ClinVar contains an entry for this variant (Variation ID: 1363302). This sequence change replaces phenylalanine, which is neutral and non-polar, with valine, which is neutral and non-polar, at codon 603 of the KIAA1549 protein (p.Phe603Val). This variant is not present in population databases (gnomAD no frequency). This variant has not been reported in the literature in individuals affected with KIAA1549-related conditions.